The following is an entry in ClinVar:

NM_002878.4(RAD51D):c.797G>A (p.Arg266His)

Genes: RAD51L3-RFFL (RAD51L3-RFFL readthrough; minus strand), RAD51D (RAD51 paralog D; minus strand). Cytogenetic location: 17q12.
Variant type: single nucleotide variant.
Coding change: c.797G>A on transcript NM_002878.4 (MANE Select); coding-DNA position 797, G replaced by A.
Protein change: p.Arg266His; replaces arginine 266 with histidine.
Molecular consequence: missense variant. On other transcripts: non-coding transcript variant (3).
Genome position (GRCh38, 1-based): chr17:35,101,307, C>T on the plus strand (G>A on the coding strand, the complement: RAD51D is on the minus strand). VCF-style: chr17-35101307-C-T. GRCh37 (hg19) VCF-style: chr17-33428326-C-T.
Other names: c.857G>A, p.Arg286His (NM_001142571.2); c.461G>A, p.Arg154His (NM_133629.3); short protein forms R266H, R154H, R286H.
Identifiers: ClinVar variation 186248 (VCV000186248.26), dbSNP rs779808083, ClinGen allele CA194240.
Genomic context (GRCh38, chr17:35,101,307, plus strand): 5'-GCTCCTGCTCCCTCGATGGTGTCCAGGAGAATCCGAGTGCTGGGCACAAAGCTCCAGGAG[C>T]GTCCGAGGGCAGGTTTGAGCCTCCCGCTGTCCCTGTCTCGAGTTATGTGGTTGGTCACCT-3'
Protein context (NP_002869.3, residues 256-276): DSGRLKPALG[Arg266His]SWSFVPSTRI

ClinVar aggregate classification (germline): Conflicting classifications of pathogenicity. Review status: criteria provided, conflicting classifications (1 of 4 stars). 7 submissions from 7 submitters: Uncertain significance (6); Likely benign (1). Last evaluated 2025-09-16.

Conditions:
Familial ovarian cancer. Identifiers: MedGen C5679802, MONDO:0016248.
Hereditary cancer-predisposing syndrome. Also called: Neoplastic Syndromes, Hereditary; Tumor predisposition; Hereditary Cancer Syndrome; Hereditary neoplastic syndrome. Identifiers: Orphanet 140162, MedGen C0027672, MeSH D009386, MONDO:0015356.
Breast-ovarian cancer, familial, susceptibility to, 4. Identifiers: Orphanet 145, MedGen C3280345, MONDO:0013669, OMIM 614291.

Allele frequency attached by ClinVar (database versions not stated): gnomAD exomes below 0.00001 and 0.00001; ExAC 0.00002; TOPMed 0.00003; gnomAD 0.00004.
gnomAD v4.1: 13 of 1,613,986 alleles (0.00081%); highest among the groups gnomAD compares: African/African-American, 0.0067%; no homozygotes.

Submissions (7):

Quest Diagnostics Nichols Institute San Juan Capistrano
Classification: Uncertain significance. Last evaluated: 2025-09-16. Review status: criteria provided, single submitter. Criteria: Quest Diagnostics criteria. Collection method: clinical testing. Allele origin: unknown.
Comment: The RAD51D c.797G>A (p.Arg266His) variant has been reported in the published literature in an individual with colorectal cancer (PMID: 27978560 (2016)), and in a large scale breast cancer association study, this variant has been observed in a breast cancer case and a reportedly unaffected individual (PMID: 33471991 (2021), see also LOVD). This variant has also been reported as a somatic variant in an individual with lung cancer (PMID: 33692861 (2021)), and colorectal cancer (PMID: 38887977 (2024)). The frequency of this variant in the general population (Genome Aggregation Database) is uninformative in the assessment of its pathogenicity. Analysis of this variant using bioinformatics tools for the prediction of the effect of amino acid changes on protein structure and function yielded predictions that this variant is benign. Based on the available information, we are unable to determine the clinical significance of this variant.

Labcorp Genetics (formerly Invitae), Labcorp
Classification: Uncertain significance for Breast-ovarian cancer, familial, susceptibility to, 4. Last evaluated: 2025-03-31. Review status: criteria provided, single submitter. Criteria: Invitae Variant Classification Sherloc (09022015). Collection method: clinical testing. Allele origin: germline.
Comment: This sequence change replaces arginine, which is basic and polar, with histidine, which is basic and polar, at codon 266 of the RAD51D protein (p.Arg266His). This variant is present in population databases (rs779808083, gnomAD 0.008%). This missense change has been observed in individual(s) with colon cancer (PMID: 27978560). ClinVar contains an entry for this variant (Variation ID: 186248). Invitae Evidence Modeling of protein sequence and biophysical properties (such as structural, functional, and spatial information, amino acid conservation, physicochemical variation, residue mobility, and thermodynamic stability) indicates that this missense variant is not expected to disrupt RAD51D protein function with a negative predictive value of 80%. In summary, the available evidence is currently insufficient to determine the role of this variant in disease. Therefore, it has been classified as a Variant of Uncertain Significance.

Center for Genomic Medicine, Rigshospitalet, Copenhagen University Hospital
Classification: Uncertain significance. Last evaluated: 2025-03-04. Review status: criteria provided, single submitter. Criteria: ACMG Guidelines, 2015. Collection method: clinical testing. Allele origin: germline.

Molecular Pathology, Peter Maccallum Cancer Centre
Classification: Uncertain significance for Familial ovarian cancer. Last evaluated: 2025-02-24. Review status: criteria provided, single submitter. Criteria: ACMG Guidelines, 2015. Collection method: clinical testing. Allele origin: germline. Inheritance: Autosomal dominant inheritance.

Ambry Genetics
Classification: Likely benign for Hereditary cancer-predisposing syndrome. Last evaluated: 2024-12-13. Review status: criteria provided, single submitter. Criteria: Ambry Variant Classification Scheme 2023. Collection method: clinical testing. Allele origin: germline.

Color Diagnostics, LLC DBA Color Health
Classification: Uncertain significance for Hereditary cancer-predisposing syndrome. Last evaluated: 2024-01-24. Review status: criteria provided, single submitter. Criteria: ACMG Guidelines, 2015. Collection method: clinical testing. Allele origin: germline.
Comment: This missense variant replaces arginine with histidine at codon 266 of the RAD51D protein. Computational prediction suggests that this variant may not impact protein structure and function. To our knowledge, functional studies have not been reported for this variant. This variant has been reported in an individual affected with cancer of the cecum (PMID: 27978560). In an international breast cancer case-control meta-analysis, this variant was detected in 1/60466 cases and 1/53461 unaffected controls (PMID: 33471991). This variant has been identified in 4/282798 chromosomes in the general population by the Genome Aggregation Database (gnomAD). The available evidence is insufficient to determine the role of this variant in disease conclusively. Therefore, this variant is classified as a Variant of Uncertain Significance.

GeneDx
Classification: Uncertain significance. Last evaluated: 2019-11-29. Review status: criteria provided, single submitter. Criteria: GeneDx Variant Classification Process June 2021. Collection method: clinical testing. Allele origin: germline. Affected: yes.
Comment: In silico analysis, which includes protein predictors and evolutionary conservation, supports a deleterious effect; Has not been previously published as pathogenic or benign to our knowledge

Literature cited by the submitters: PubMed 38887977 (cited by Quest Diagnostics Nichols Institute San Juan Capistrano); PubMed 33692861 (cited by Quest Diagnostics Nichols Institute San Juan Capistrano); PubMed 27978560 (cited by 4 submitters); PubMed 33471991 (cited by Quest Diagnostics Nichols Institute San Juan Capistrano and Color Diagnostics, LLC DBA Color Health).